The following is an entry in ClinVar:

ClinVar aggregate classification (germline): Uncertain significance (1 of 4 stars; one submission).

Conditions:
Familial hypokalemia-hypomagnesemia (GTLMNS). Also called: gitelman syndrome; HYPOMAGNESEMIA-HYPOKALEMIA, PRIMARY RENOTUBULAR, WITH HYPOCALCIURIA; POTASSIUM AND MAGNESIUM DEPLETION. Identifiers: Orphanet 358, MedGen C0268450, MONDO:0009904, OMIM 263800.

Submission:

MVZ Medizinische Genetik Mainz
Classification: Uncertain significance for Familial hypokalemia-hypomagnesemia. Last evaluated: 2025-12-02. Review status: criteria provided, single submitter. Criteria: UK Practice Guidelines For Variant Classification V4 01 2020. Collection method: clinical testing. Allele origin: germline. Inheritance: Autosomal recessive inheritance. Affected: yes. Observed: 1 variant allele.
Comment: ACMG Criteria: PM5,PM2_SUP,PP4

NM_001126108.2(SLC12A3):c.461T>A (p.Ile154Asn)

Gene: SLC12A3 (solute carrier family 12 member 3; plus strand). Cytogenetic location: 16q13.
Variant type: single nucleotide variant.
Coding change: c.461T>A on transcript NM_001126108.2 (MANE Select); coding-DNA position 461, T replaced by A.
Protein change: p.Ile154Asn; replaces isoleucine 154 with asparagine.
Molecular consequence: missense variant.
Genome position (GRCh38, 1-based): chr16:56,868,328, T>A. VCF-style: chr16-56868328-T-A. GRCh37 (hg19) VCF-style: chr16-56902240-T-A.
Other names: c.461T>A, p.Ile154Asn (NM_000339.3); c.458T>A, p.Ile153Asn (NM_001126107.2, NM_001410896.1); short protein forms I153N, I154N.
Identifiers: ClinVar variation 4540422 (VCV004540422.1).